The following is an entry in ClinVar:

NM_173628.4(DNAH17):c.5904-15C>T

Genes: DNAH17 (dynein axonemal heavy chain 17; minus strand), DNAH17-AS1 (DNAH17 antisense RNA 1; plus strand). Cytogenetic location: 17q25.3.
Variant type: single nucleotide variant.
Coding change: c.5904-15C>T on transcript NM_173628.4 (MANE Select); 15 bases into the intron before coding-DNA position 5904, C replaced by T.
Molecular consequence: intron variant.
Genome position (GRCh38, 1-based): chr17:78,495,112, G>A on the plus strand (C>T on the coding strand, the complement: DNAH17 is on the minus strand). VCF-style: chr17-78495112-G-A. GRCh37 (hg19) VCF-style: chr17-76491194-G-A.
Identifiers: ClinVar variation 402684 (VCV000402684.7), dbSNP rs11077375, ClinGen allele CA8803004.

ClinVar aggregate classification (germline): Benign. Review status: criteria provided, multiple submitters, no conflicts (2 of 4 stars). 3 submissions from 3 submitters: Benign (3). Last evaluated 2021-05-11.

Allele frequency attached by ClinVar (database versions not stated): ESP Exome Variant Server 0.21252; gnomAD 0.22557 and 0.23003; TOPMed 0.23157; 1000 Genomes Project 30x 0.23657; 1000 Genomes Project 0.23782; ExAC 0.31701.
gnomAD v4.1: 411,727 of 1,585,328 alleles (26%); highest among the groups gnomAD compares: South Asian, 34%; 55,036 homozygotes.

Submissions (3):

GeneDx
Classification: Benign. Last evaluated: 2021-05-11. Review status: criteria provided, single submitter. Criteria: GeneDx Variant Classification Process June 2021. Collection method: clinical testing. Allele origin: germline. Affected: yes.

Laboratory for Molecular Medicine, Mass General Brigham Personalized Medicine
Classification: Benign. Last evaluated: 2016-03-29. Review status: criteria provided, single submitter. Criteria: LMM Criteria. Collection method: clinical testing. Allele origin: germline.
Comment: Variant identified in a genome or exome case(s) and assessed due to predicted null impact of the variant or pathogenic assertions in the literature or databases. Disclaimer: This variant has not undergone full assessment. The following are preliminary notes: Frequency

Breakthrough Genomics
Classification: Benign. Review status: criteria provided, single submitter. Criteria: ACMG Guidelines, 2015. Collection method: not provided. Allele origin: germline. Inheritance: Autosomal recessive inheritance. Affected: yes.